The following is an entry in ClinVar:

ClinVar aggregate classification (germline): Likely benign. Review status: criteria provided, multiple submitters, no conflicts (2 of 4 stars). 3 submissions from 3 submitters: Likely benign (2). 1 of the submissions does not count toward it. Last evaluated 2024-12-11.

Conditions:
Hereditary cancer-predisposing syndrome. Also called: Tumor predisposition; Hereditary Cancer Syndrome; Hereditary neoplastic syndrome; Neoplastic Syndromes, Hereditary. Identifiers: Orphanet 140162, MedGen C0027672, MeSH D009386, MONDO:0015356.
Breast-ovarian cancer, familial, susceptibility to, 1 (BROVCA1). Also called: BRCA1 Hereditary Breast and Ovarian Cancer; OVARIAN CANCER, SUSCEPTIBILITY TO. Identifiers: Orphanet 145, MedGen C2676676, MONDO:0011450, OMIM 604370. Disease mechanism: loss of function.

Submissions (4):

Ambry Genetics
Classification: Likely benign for Hereditary cancer-predisposing syndrome. Last evaluated: 2024-12-11. Review status: criteria provided, single submitter. Criteria: Ambry Variant Classification Scheme 2023. Collection method: clinical testing. Allele origin: germline.

Women's Health and Genetics/Laboratory Corporation of America, LabCorp
Classification: Likely benign. Last evaluated: 2022-11-14. Review status: criteria provided, single submitter. Criteria: LabCorp Variant Classification Summary - May 2015. Collection method: clinical testing. Allele origin: germline.
Comment: Variant summary: BRCA1 c.4897A>G (p.Ser1633Gly) results in a non-conservative amino acid change in the encoded protein sequence. Four of five in-silico tools predict a benign effect of the variant on protein function. The variant was absent in 251394 control chromosomes. The available data on variant occurrences in the general population are insufficient to allow any conclusion about variant significance. To our knowledge, no occurrence of c.4897A>G in individuals affected with Hereditary Breast And Ovarian Cancer Syndrome has been reported. At least one publication reports experimental evidence evaluating an impact on protein function (Findlay_2018). These results showed no damaging effect of this variant resulting in a "functional" outcome in homology directed repair (HDR). HDR assays qualify as a recognized gold standard on the basis of updated guidance provided by the ClinGen Sequence Variant Interpretation (SVI) working group. This working group has recommended strong functional evidence (ACMG BS3) as sufficient weightage for categorization as likely benign (Tavtigian_2018). No clinical diagnostic laboratories have submitted clinical-significance assessments for this variant to ClinVar after 2014. Based on the evidence outlined above, the variant was classified as likely benign.

BRCAlab, Lund University
Classification: Likely benign for Breast-ovarian cancer, familial, susceptibility to, 1. Last evaluated: 2024-02-02. Review status: no assertion criteria provided. Collection method: clinical testing. Allele origin: germline. Affected: yes. Not counted in ClinVar's aggregate classification.

Brotman Baty Institute, University of Washington
No classification provided (evidence only). Condition: Breast-ovarian cancer, familial 1. Review status: no classification provided. Collection method: in vitro. Allele origin: not applicable. Functional consequence: functionally_normal. Not counted in ClinVar's aggregate classification.
ClinVar note: "not provided" was previously submitted as the classification for the variant. However, the classification appeared to be based only on an observation of functional data so it was converted to no classification on 2025-07-30.

Literature cited by the submitters: PubMed 30209399 (cited by Ambry Genetics and Women's Health and Genetics/Laboratory Corporation of America, LabCorp).

NM_007294.4(BRCA1):c.4897A>G (p.Ser1633Gly)

Gene: BRCA1 (BRCA1 DNA repair associated; minus strand). Cytogenetic location: 17q21.31.
Variant type: single nucleotide variant.
Coding change: c.4897A>G on transcript NM_007294.4 (MANE Select); coding-DNA position 4897, A replaced by G.
Protein change: p.Ser1633Gly; replaces serine 1633 with glycine.
Molecular consequence: missense variant. On other transcripts: non-coding transcript variant (1).
Genome position (GRCh38, 1-based): chr17:43,071,017, T>C on the plus strand (A>G on the coding strand, the complement: BRCA1 is on the minus strand). VCF-style: chr17-43071017-T-C. GRCh37 (hg19) VCF-style: chr17-41223034-T-C.
Other names: c.4684A>G, p.Ser1562Gly (NM_001407571.1, NM_001407900.1, NM_001407902.1 and 12 more transcripts); c.4963A>G, p.Ser1655Gly (NM_001407581.1, NM_001407582.1); c.4960A>G, p.Ser1654Gly (NM_001407583.1, NM_001407585.1, NM_001407587.1 and 1 more transcripts); c.4894A>G, p.Ser1632Gly (NM_001407610.1, NM_001407611.1, NM_001407612.1 and 17 more transcripts); c.4891A>G, p.Ser1631Gly (NM_001407629.1, NM_001407630.1, NM_001407631.1 and 14 more transcripts); c.4837A>G, p.Ser1613Gly (NM_001407649.1); c.4897A>G, p.Ser1633Gly (NM_001407652.1, NM_001407593.1, NM_001407594.1 and 8 more transcripts); c.4819A>G, p.Ser1607Gly (NM_001407653.1, NM_001407654.1, NM_001407655.1); and 70 more; short protein forms S1586G, S1633G, S1654G, S529G, S1336G, S1504G, S1506G, S1543G.
Identifiers: ClinVar variation 865661 (VCV000865661.6), dbSNP rs1555580711, ClinGen allele CA10591732.
Genomic context (GRCh38, chr17:43,071,017, plus strand): 5'-CCATGGACATTCTTTTGTTGACCCTTTCTGTTGAAGCTGTCAATTCTGGCTTCTCCCTGC[T>C]CACACTTTCTTCCATTGCATTATACCCAGCAGTATCAGTAGTATGAGCAGCAGCTGGACT-3'
Protein context (NP_009225.1, residues 1623-1643): AGYNAMEESV[Ser1633Gly]REKPELTAST